The following is an entry in ClinVar:

NC_000023.10:g.(?_32466553)_(32717430_?)del

Gene: DMD (dystrophin; minus strand). Cytogenetic location: Xp21.1.
Variant type: Deletion.
Identifiers: ClinVar variation 1455855 (VCV001455855.7).

ClinVar aggregate classification (germline): Pathogenic (1 of 4 stars; one submission).

Conditions:
Duchenne muscular dystrophy (DMD). Also called: Duchenne Muscular Dystrophy (DMD); MUSCULAR DYSTROPHY, PSEUDOHYPERTROPHIC PROGRESSIVE, DUCHENNE TYPE. Identifiers: Orphanet 98896, MedGen C0013264, MONDO:0010679, OMIM 310200.

Submission:

Labcorp Genetics (formerly Invitae), Labcorp
Classification: Pathogenic for Duchenne muscular dystrophy. Last evaluated: 2023-07-26. Review status: criteria provided, single submitter. Criteria: Invitae Variant Classification Sherloc (09022015). Collection method: clinical testing. Allele origin: germline.
Comment: A similar copy number variant has been observed in individual(s) with clinical features of Duchenne muscular dystrophy (PMID: 33644936). For these reasons, this variant has been classified as Pathogenic. This variant is a gross deletion of the genomic region encompassing exon(s) 8-27 of the DMD gene. This deletion is out-of-frame, and is expected to create a premature termination codon and result in an absent or disrupted protein product. Loss-of-function variants in DMD are known to be pathogenic (PMID: 16770791, 25007885).

Literature cited by the submitters: PubMed 33644936; PubMed 16770791; PubMed 25007885.